The following is an entry in ClinVar:

ClinVar aggregate classification (germline): Uncertain significance (1 of 4 stars; one submission).

gnomAD v4.1: 21 of 1,613,136 alleles (0.0013%); highest among the groups gnomAD compares: Non-Finnish European, 0.0018%; no homozygotes.

Submission:

Women's Health and Genetics/Laboratory Corporation of America, LabCorp
Classification: Uncertain significance. Last evaluated: 2024-05-17. Review status: criteria provided, single submitter. Criteria: LabCorp Variant Classification Summary - May 2015. Collection method: clinical testing. Allele origin: germline.
Comment: Variant summary: CDH23 c.868A>C (p.Ser290Arg) results in a non-conservative amino acid change in the encoded protein sequence. Four of five in-silico tools predict a damaging effect of the variant on protein function. The variant was absent in 249282 control chromosomes. The available data on variant occurrences in the general population are insufficient to allow any conclusion about variant significance. To our knowledge, no occurrence of c.868A>C in individuals affected with Usher Syndrome and no experimental evidence demonstrating its impact on protein function have been reported. No submitters have cited clinical-significance assessments for this variant to ClinVar. Based on the evidence outlined above, the variant was classified as uncertain significance.

NM_022124.6(CDH23):c.868A>C (p.Ser290Arg)

Gene: CDH23 (cadherin related 23; plus strand). Cytogenetic location: 10q22.1.
Variant type: single nucleotide variant.
Coding change: c.868A>C on transcript NM_022124.6 (MANE Select); coding-DNA position 868, A replaced by C.
Protein change: p.Ser290Arg; replaces serine 290 with arginine.
Molecular consequence: missense variant.
Genome position (GRCh38, 1-based): chr10:71,615,539, A>C. VCF-style: chr10-71615539-A-C. GRCh37 (hg19) VCF-style: chr10-73375296-A-C.
Other names: c.868A>C, p.Ser290Arg (NM_001171930.2, NM_001171931.2, NM_001171932.2 and 1 more transcripts); short protein forms S290R.
Identifiers: ClinVar variation 3336526 (VCV003336526.1).
Genomic context (GRCh38, chr10:71,615,539, plus strand): 5'-ACCTGAATGCTTCTCTCTCTTGCAGGGAATACCAACAGCATCTTTGCCCTGGACTACATC[A>C]GCGGAGTGCTGACCTTGAATGGCCTGCTGGACCGGGAGAACCCCCTGTACAGCCATGGCT-3'
Protein context (NP_071407.4, residues 280-300): TNSIFALDYI[Ser290Arg]GVLTLNGLLD